The following is an entry in ClinVar:

ClinVar aggregate classification (germline): Uncertain significance (1 of 4 stars; one submission).

Allele frequency attached by ClinVar (database versions not stated): gnomAD exomes 0.00001; ExAC 0.00008; 1000 Genomes Project 30x 0.00016; 1000 Genomes Project 0.00020; TOPMed 0.00020; gnomAD 0.00021; ESP Exome Variant Server 0.00031.
gnomAD v4.1: 45 of 1,596,774 alleles (0.0028%); highest among the groups gnomAD compares: African/African-American, 0.058%; no homozygotes.

Submission:

Center for Genomics, Ann and Robert H. Lurie Children's Hospital of Chicago
Classification: Uncertain significance. Last evaluated: 2021-03-30. Review status: criteria provided, single submitter. Criteria: ACMG Guidelines, 2015. Collection method: clinical testing. Allele origin: germline.
Comment: KCNK17 NM_031460.3 exon 1 p.Gln64* (c.190C>T): This variant has not been reported in the literature and is present in 0.05% (11/20702) of African alleles in the Genome Aggregation Database. Evolutionary conservation and computational predictive tools for this variant are limited or unavailable. This variant creates a premature stop at this codon which results in an absent or abnormal protein. However, there is insufficient evidence to establish loss of function as a known mechanism of disease. In summary, data on this variant is insufficient for disease classification. Therefore, the clinical significance of this variant is uncertain.

NM_031460.4(KCNK17):c.190C>T (p.Gln64Ter)

Gene: KCNK17 (potassium two pore domain channel subfamily K member 17; minus strand). Cytogenetic location: 6p21.2.
Variant type: single nucleotide variant.
Coding change: c.190C>T on transcript NM_031460.4 (MANE Select); coding-DNA position 190, C replaced by T.
Protein change: p.Gln64Ter; replaces glutamine 64 with a stop codon.
Molecular consequence: nonsense.
Genome position (GRCh38, 1-based): chr6:39,314,131, G>A on the plus strand (C>T on the coding strand, the complement: KCNK17 is on the minus strand). VCF-style: chr6-39314131-G-A. GRCh37 (hg19) VCF-style: chr6-39281907-G-A.
Other names: c.190C>T, p.Gln64Ter (NM_001135111.2); short protein forms Q64*.
Identifiers: ClinVar variation 2501728 (VCV002501728.1), dbSNP rs201418585, ClinGen allele CA3793270.
Genomic context (GRCh38, chr6:39,314,131, plus strand): 5'-GCTCGCCCCTGACCCGGATCAGCGAGTCCAGCGCCGGGCGGTCCAGACACGTGAAGTTCT[G>A]CAACAGCTCCCACTTGTCGCGCTGGAAGCTGCGGCTGGAGTCCTGCGCCGCGCGGCCCTC-3'